The following is an entry in ClinVar:

NM_021072.4(HCN1):c.423C>G (p.Phe141Leu)

Gene: HCN1 (hyperpolarization activated cyclic nucleotide gated potassium channel 1; minus strand). Cytogenetic location: 5p12.
Variant type: single nucleotide variant.
Coding change: c.423C>G on transcript NM_021072.4 (MANE Select); coding-DNA position 423, C replaced by G.
Protein change: p.Phe141Leu; replaces phenylalanine 141 with leucine.
Molecular consequence: missense variant.
Genome position (GRCh38, 1-based): chr5:45,695,671, G>C on the plus strand (C>G on the coding strand, the complement: HCN1 is on the minus strand). VCF-style: chr5-45695671-G-C. GRCh37 (hg19) VCF-style: chr5-45695773-G-C.
Other names: short protein forms F141L.
Identifiers: ClinVar variation 1437574 (VCV001437574.9), dbSNP rs2112108769, ClinGen allele CA359706034.
Genomic context (GRCh38, chr5:45,695,671, plus strand): 5'-GAAGCGCGTTTCAGGGCGCGCCTGAAGGGAGGGTGGGGCGGCGACCGGGAGCCCTCACCT[G>C]AAATCACTGTAAGGGTGGATAATCCAGAAGCCTGCAGTTTTAACCCTTTCCTGCTCCTTT-3'
Protein context (NP_066550.2, residues 131-151): GFWIIHPYSD[Phe141Leu]RFYWDLIMLI

ClinVar aggregate classification (germline): Uncertain significance (1 of 4 stars; one submission).

Conditions:
Early-infantile DEE. Also called: Early infantile epileptic encephalopathy; Ohtahara syndrome; Early infantile epileptic encephalopathy with suppression bursts. Identifiers: Orphanet 1934, MedGen C0393706, MONDO:0800491.

Submission:

Labcorp Genetics (formerly Invitae), Labcorp
Classification: Uncertain significance for Early-infantile DEE. Last evaluated: 2022-02-04. Review status: criteria provided, single submitter. Criteria: Invitae Variant Classification Sherloc (09022015). Collection method: clinical testing. Allele origin: germline.
Comment: In summary, the available evidence is currently insufficient to determine the role of this variant in disease. Therefore, it has been classified as a Variant of Uncertain Significance. Algorithms developed to predict the effect of missense changes on protein structure and function are either unavailable or do not agree on the potential impact of this missense change (SIFT: "Deleterious"; PolyPhen-2: "Benign"; Align-GVGD: "Class C0"). This variant has not been reported in the literature in individuals affected with HCN1-related conditions. This variant is not present in population databases (gnomAD no frequency). This sequence change replaces phenylalanine, which is neutral and non-polar, with leucine, which is neutral and non-polar, at codon 141 of the HCN1 protein (p.Phe141Leu).